The following is an entry in ClinVar:

ClinVar aggregate classification (germline): Uncertain significance (1 of 4 stars; one submission).

Conditions:
Charcot-Marie-Tooth disease recessive intermediate C. Also called: CHARCOT-MARIE-TOOTH NEUROPATHY, RECESSIVE INTERMEDIATE C. Identifiers: Orphanet 369867, MedGen C3809309, MONDO:0014154, OMIM 615376.
Neuronopathy, distal hereditary motor, autosomal recessive 4. Also called: Autosomal recessive lower motor neuron disease with childhood onset; NEUROPATHY, DISTAL HEREDITARY MOTOR, AUTOSOMAL RECESSIVE 4. Identifiers: Orphanet 206580, MedGen C1970211, MONDO:0012608, OMIM 611067.

Submission:

Labcorp Genetics (formerly Invitae), Labcorp
Classification: Uncertain significance for Neuronopathy, distal hereditary motor, autosomal recessive 4; Charcot-Marie-Tooth disease recessive intermediate C. Last evaluated: 2019-08-14. Review status: criteria provided, single submitter. Criteria: Invitae Variant Classification Sherloc (09022015). Collection method: clinical testing. Allele origin: germline.
Comment: In summary, the available evidence is currently insufficient to determine the role of this variant in disease. Therefore, it has been classified as a Variant of Uncertain Significance. Nucleotide substitutions within the consensus splice site are a relatively common cause of aberrant splicing (PMID: 17576681, 9536098). Algorithms developed to predict the effect of sequence changes on RNA splicing suggest that this variant is not likely to affect RNA splicing, but this prediction has not been confirmed by published transcriptional studies. This variant has not been reported in the literature in individuals with PLEKHG5-related disease. ClinVar contains an entry for this variant (Variation ID: 468913). This variant is not present in population databases (ExAC no frequency). This sequence change falls in intron 5 of the PLEKHG5 gene. It does not directly change the encoded amino acid sequence of the PLEKHG5 protein, but it affects a nucleotide within the consensus splice site of the intron.

Literature cited by the submitters: PubMed 17576681; PubMed 9536098.

NM_020631.6(PLEKHG5):c.302+6G>A

Gene: PLEKHG5 (pleckstrin homology and RhoGEF domain containing G5; minus strand). Cytogenetic location: 1p36.31.
Variant type: single nucleotide variant.
Coding change: c.302+6G>A on transcript NM_020631.6 (MANE Select); 6 bases into the intron after coding-DNA position 302, G replaced by A.
Molecular consequence: intron variant.
Genome position (GRCh38, 1-based): chr1:6,475,041, C>T on the plus strand (G>A on the coding strand, the complement: PLEKHG5 is on the minus strand). VCF-style: chr1-6475041-C-T. GRCh37 (hg19) VCF-style: chr1-6535101-C-T.
Other names: c.302+6G>A (NM_198681.4, NM_001265594.3, NM_001042664.2 and 1 more transcripts); c.413+6G>A (NM_001042663.3, NM_001265592.2); c.509+6G>A (NM_001265593.2).
Identifiers: ClinVar variation 468913 (VCV000468913.11), dbSNP rs1553175409, ClinGen allele CA658656870.